The following is an entry in ClinVar:

NM_017999.5(RNF31):c.926G>T (p.Cys309Phe)

Gene: RNF31 (ring finger protein 31; plus strand). Cytogenetic location: 14q12.
Variant type: single nucleotide variant.
Coding change: c.926G>T on transcript NM_017999.5 (MANE Select); coding-DNA position 926, G replaced by T.
Protein change: p.Cys309Phe; replaces cysteine 309 with phenylalanine.
Molecular consequence: missense variant.
Genome position (GRCh38, 1-based): chr14:24,150,177, G>T. VCF-style: chr14-24150177-G-T. GRCh37 (hg19) VCF-style: chr14-24619386-G-T.
Other names: c.473G>T, p.Cys158Phe (NM_001310332.2); short protein forms C309F, C158F.
Identifiers: ClinVar variation 4700855 (VCV004700855.1).
Genomic context (GRCh38, chr14:24,150,177, plus strand): 5'-ACAGCTCTCTTTCTTCCCCTAATCCTGCAAGTGCTCATTTGCCCTGGCACTGTGCTGCCT[G>T]TGCCATGCTAAATGAGCCTTGGGCAGTGCTCTGTGTGGCCTGTGATCGGCCCCGAGGCTG-3'
Protein context (NP_060469.4, residues 299-319): SAHLPWHCAA[Cys309Phe]AMLNEPWAVL

ClinVar aggregate classification (germline): Uncertain significance (1 of 4 stars; one submission).

gnomAD v4.1: 4 of 1,614,072 alleles (0.00025%); highest among the groups gnomAD compares: Non-Finnish European, 0.00034%; no homozygotes.

Submission:

Labcorp Genetics (formerly Invitae), Labcorp
Classification: Uncertain significance. Last evaluated: 2026-01-28. Review status: criteria provided, single submitter. Criteria: Invitae Variant Classification Sherloc (09022015). Collection method: clinical testing. Allele origin: germline.
Comment: This sequence change replaces cysteine, which is neutral and slightly polar, with phenylalanine, which is neutral and non-polar, at codon 309 of the RNF31 protein (p.Cys309Phe). This variant is present in population databases (no rsID available, gnomAD 0.002%). This variant has not been reported in the literature in individuals affected with RNF31-related conditions. An algorithm developed to predict the effect of missense changes on protein structure and function (PolyPhen-2) suggests that this variant is likely to be disruptive. In summary, the available evidence is currently insufficient to determine the role of this variant in disease. Therefore, it has been classified as a Variant of Uncertain Significance.